The following is an entry in ClinVar:

ClinVar aggregate classification (germline): Pathogenic/Likely pathogenic. Review status: criteria provided, multiple submitters, no conflicts (2 of 4 stars). 3 submissions from 3 submitters: Pathogenic (1); Likely pathogenic (2). Last evaluated 2025-07-15.

Conditions:
Familial adenomatous polyposis 1 (FAP1). Also called: FAMILIAL ADENOMATOUS POLYPOSIS 1, ATTENUATED; POLYPOSIS, ADENOMATOUS INTESTINAL. Identifiers: MedGen C2713442, MONDO:0021056, OMIM 175100. Disease mechanism: loss of function.
Hereditary cancer-predisposing syndrome. Also called: Hereditary neoplastic syndrome; Tumor predisposition; Hereditary Cancer Syndrome; Neoplastic Syndromes, Hereditary. Identifiers: Orphanet 140162, MedGen C0027672, MeSH D009386, MONDO:0015356.

Submissions (3):

Ambry Genetics
Classification: Pathogenic for Hereditary cancer-predisposing syndrome. Last evaluated: 2025-07-15. Review status: criteria provided, single submitter. Criteria: Ambry Variant Classification Scheme 2023. Collection method: clinical testing. Allele origin: germline.
Comment: The c.1549-2A>G intronic pathogenic mutation results from an A to G substitution two nucleotides upstream from coding exon 12 in the APC gene. Alterations that disrupt the canonical splice site are expected to result in aberrant splicing. In silico splice site analysis predicts that this alteration will weaken the native splice acceptor site. RNA studies have demonstrated that this alteration results in abnormal splicing in the set of samples tested (Ambry internal data). This alteration has been observed in at least one individual with a personal and/or family history that is consistent with APC-related familial adenomatous polyposis (Ambry internal data). This variant is considered to be rare based on population cohorts in the Genome Aggregation Database (gnomAD). This nucleotide position is highly conserved in available vertebrate species. Based on the supporting evidence, this variant is interpreted as a disease-causing mutation.

Labcorp Genetics (formerly Invitae), Labcorp
Classification: Likely pathogenic for Familial adenomatous polyposis 1. Last evaluated: 2023-05-21. Review status: criteria provided, single submitter. Criteria: Invitae Variant Classification Sherloc (09022015). Collection method: clinical testing. Allele origin: germline.
Comment: In summary, the currently available evidence indicates that the variant is pathogenic, but additional data are needed to prove that conclusively. Therefore, this variant has been classified as Likely Pathogenic. Algorithms developed to predict the effect of sequence changes on RNA splicing suggest that this variant may disrupt the consensus splice site. This variant has not been reported in the literature in individuals affected with APC-related conditions. This variant is not present in population databases (gnomAD no frequency). This sequence change affects an acceptor splice site in intron 12 of the APC gene. It is expected to disrupt RNA splicing. Variants that disrupt the donor or acceptor splice site typically lead to a loss of protein function (PMID: 16199547), and loss-of-function variants in APC are known to be pathogenic (PMID: 17963004, 20685668).

Myriad Genetics, Inc.
Classification: Likely pathogenic for Familial adenomatous polyposis 1. Last evaluated: 2023-05-02. Review status: criteria provided, single submitter. Criteria: Myriad Autosomal Dominant, Autosomal Recessive and X-Linked Classification Criteria (2023). Collection method: clinical testing. Allele origin: unknown.
Comment: This variant is considered likely pathogenic. This variant occurs within a consensus splice junction and is predicted to result in abnormal mRNA splicing of either an out-of-frame exon or an in-frame exon necessary for protein stability and/or normal function.

Literature cited by the submitters: PubMed 16199547 (cited by Labcorp Genetics (formerly Invitae), Labcorp); PubMed 17963004 (cited by Labcorp Genetics (formerly Invitae), Labcorp); PubMed 20685668 (cited by Labcorp Genetics (formerly Invitae), Labcorp).

NM_000038.6(APC):c.1549-2A>G

Gene: APC (APC regulator of Wnt signaling pathway; plus strand). Cytogenetic location: 5q22.2.
Variant type: single nucleotide variant.
Coding change: c.1549-2A>G on transcript NM_000038.6 (MANE Select); the canonical splice acceptor site of the intron before coding-DNA position 1549, A replaced by G.
Molecular consequence: splice acceptor variant.
Genome position (GRCh38, 1-based): chr5:112,827,927, A>G. VCF-style: chr5-112827927-A-G. GRCh37 (hg19) VCF-style: chr5-112163624-A-G.
Other names: c.1549-2A>G (NM_000038.5, NM_001354895.2, NM_001407450.1 and 1 more transcripts); c.700-2A>G (NM_001407470.1, NM_001354906.2); c.397-2A>G (NM_001407472.1, NM_001407471.1); c.1603-2A>G (NM_001407447.1, NM_001407448.1, NM_001407449.1 and 1 more transcripts); c.1300-2A>G (NM_001407456.1, NM_001407457.1, NM_001407455.1 and 1 more transcripts); c.1246-2A>G (NM_001407460.1, NM_001407458.1, NM_001407459.1 and 1 more transcripts); c.1519-2A>G (NM_001407452.1); c.1162-2A>G (NM_001407469.1, NM_001407467.1); and 11 more.
Identifiers: ClinVar variation 2583997 (VCV002583997.7), dbSNP rs2149813083, ClinGen allele CA360619898.